The following is an entry in ClinVar:

NM_001040108.2(MLH3):c.3164T>A (p.Met1055Lys)

Gene: MLH3 (mutL homolog 3; minus strand). Cytogenetic location: 14q24.3.
Variant type: single nucleotide variant.
Coding change: c.3164T>A on transcript NM_001040108.2 (MANE Select); coding-DNA position 3164, T replaced by A.
Protein change: p.Met1055Lys; replaces methionine 1055 with lysine.
Molecular consequence: missense variant.
Genome position (GRCh38, 1-based): chr14:75,046,492, A>T on the plus strand (T>A on the coding strand, the complement: MLH3 is on the minus strand). VCF-style: chr14-75046492-A-T. GRCh37 (hg19) VCF-style: chr14-75513195-A-T.
Other names: c.3164T>A, p.Met1055Lys (NM_014381.3); short protein forms M1055K.
Identifiers: ClinVar variation 4552071 (VCV004552071.1).
Genomic context (GRCh38, chr14:75,046,492, plus strand): 5'-TGAATGTCCTCAGTTGGGGCAATGAATGTGCTGAGTCCAGTCATTTTGTTGACATAAACC[A>T]TTCTTCCCAGGGCTACATCGAAATGCCGCTGCCAATCTGAACAACACGTGTTTGACTCTT-3'
Protein context (NP_001035197.1, residues 1045-1065): QRHFDVALGR[Met1055Lys]VYVNKMTGLS

ClinVar aggregate classification (germline): Uncertain significance (1 of 4 stars; one submission).

Submission:

Ambry Genetics
Classification: Uncertain significance. Last evaluated: 2025-09-23. Review status: criteria provided, single submitter. Criteria: Ambry Variant Classification Scheme 2023. Collection method: clinical testing. Allele origin: germline.
Comment: The p.M1055K variant (also known as c.3164T>A), located in coding exon 1 of the MLH3 gene, results from a T to A substitution at nucleotide position 3164. The methionine at codon 1055 is replaced by lysine, an amino acid with similar properties. This amino acid position is conserved. In addition, the in silico prediction for this alteration is inconclusive. Based on the available evidence, the clinical significance of this variant remains unclear.